The following is an entry in ClinVar:

ClinVar aggregate classification (germline): Likely benign. Review status: criteria provided, multiple submitters, no conflicts (2 of 4 stars). 3 submissions from 3 submitters: Likely benign (2). 1 of the submissions does not count toward it. Last evaluated 2025-12-17.

Conditions:
IFT172-related disorder. Also called: IFT172-related disorders; IFT172-related condition.
Retinal dystrophy. Also called: Inherited retinal dystrophy. Identifiers: Orphanet 71862, MedGen C0854723, MeSH D058499, MONDO:0019118, HP:0000556.
Retinitis pigmentosa 71 (RP71). Identifiers: Orphanet 791, MedGen C4225342, MONDO:0014618, OMIM 616394.
Short-rib thoracic dysplasia 10 with or without polydactyly (SRTD10). Identifiers: Orphanet 474, MedGen C3810175, MONDO:0014284, OMIM 615630.

Allele frequency attached by ClinVar (database versions not stated): ExAC 0.00001; gnomAD exomes 0.00001; TOPMed 0.00002.
gnomAD v4.1: 16 of 1,612,026 alleles (0.00099%); highest among the groups gnomAD compares: East Asian, 0.0045%; no homozygotes.

Submissions (3):

Labcorp Genetics (formerly Invitae), Labcorp
Classification: Likely benign for Retinitis pigmentosa 71; Short-rib thoracic dysplasia 10 with or without polydactyly. Last evaluated: 2025-12-17. Review status: criteria provided, single submitter. Criteria: Invitae Variant Classification Sherloc (09022015). Collection method: clinical testing. Allele origin: germline.

Dept Of Ophthalmology, Nagoya University
Classification: Likely benign for Retinal dystrophy. Last evaluated: 2023-10-01. Review status: criteria provided, single submitter. Criteria: Submitter's publication. Collection method: research. Allele origin: germline. Affected: yes.

PreventionGenetics, part of Exact Sciences
Classification: Likely benign for IFT172-related condition. Last evaluated: 2021-12-08. Review status: no assertion criteria provided. Collection method: clinical testing. Allele origin: germline. Not counted in ClinVar's aggregate classification.
Comment: This variant is classified as likely benign based on ACMG/AMP sequence variant interpretation guidelines (Richards et al. 2015 PMID: 25741868, with internal and published modifications).

NM_015662.3(IFT172):c.591G>A (p.Pro197=)

Gene: IFT172 (intraflagellar transport 172; minus strand). Cytogenetic location: 2p23.3.
Variant type: single nucleotide variant.
Coding change: c.591G>A on transcript NM_015662.3 (MANE Select); coding-DNA position 591, G replaced by A.
Protein change: p.Pro197=; no amino-acid change (proline 197 retained).
Molecular consequence: synonymous variant.
Genome position (GRCh38, 1-based): chr2:27,481,240, C>T on the plus strand (G>A on the coding strand, the complement: IFT172 is on the minus strand). VCF-style: chr2-27481240-C-T. GRCh37 (hg19) VCF-style: chr2-27704107-C-T.
Other names: c.591G>A (NM_015662.2).
Identifiers: ClinVar variation 1110946 (VCV001110946.11), dbSNP rs747654101, ClinGen allele CA1580911.